The following is an entry in ClinVar:

NM_005879.3(TRAIP):c.107A>G (p.Gln36Arg)

Gene: TRAIP (TRAF interacting protein; minus strand). Cytogenetic location: 3p21.31.
Variant type: single nucleotide variant.
Coding change: c.107A>G on transcript NM_005879.3 (MANE Select); coding-DNA position 107, A replaced by G.
Protein change: p.Gln36Arg; replaces glutamine 36 with arginine.
Molecular consequence: missense variant.
Genome position (GRCh38, 1-based): chr3:49,848,192, T>C on the plus strand (A>G on the coding strand, the complement: TRAIP is on the minus strand). VCF-style: chr3-49848192-T-C. GRCh37 (hg19) VCF-style: chr3-49885625-T-C.
Other names: c.107A>G (NM_005879.2); short protein forms Q36R.
Identifiers: ClinVar variation 2114903 (VCV002114903.5), dbSNP rs1297285031, ClinGen allele CA352844211.

ClinVar aggregate classification (germline): Uncertain significance. Review status: criteria provided, multiple submitters, no conflicts (2 of 4 stars). 2 submissions from 2 submitters: Uncertain significance (2). Last evaluated 2024-04-29.

Conditions:
Inborn genetic diseases. Identifiers: MedGen C0950123, MeSH D030342.

Allele frequency attached by ClinVar (database versions not stated): gnomAD exomes 0.00001.
gnomAD v4.1: 4 of 1,614,188 alleles (0.00025%); highest among the groups gnomAD compares: Admixed American, 0.0017%; no homozygotes.

Submissions (2):

Labcorp Genetics (formerly Invitae), Labcorp
Classification: Uncertain significance. Last evaluated: 2024-04-29. Review status: criteria provided, single submitter. Criteria: Invitae Variant Classification Sherloc (09022015). Collection method: clinical testing. Allele origin: germline.
Comment: This sequence change replaces glutamine, which is neutral and polar, with arginine, which is basic and polar, at codon 36 of the TRAIP protein (p.Gln36Arg). This variant is present in population databases (no rsID available, gnomAD 0.003%). This variant has not been reported in the literature in individuals affected with TRAIP-related conditions. ClinVar contains an entry for this variant (Variation ID: 2114903). An algorithm developed to predict the effect of missense changes on protein structure and function (PolyPhen-2) suggests that this variant is likely to be tolerated. In summary, the available evidence is currently insufficient to determine the role of this variant in disease. Therefore, it has been classified as a Variant of Uncertain Significance.

Ambry Genetics
Classification: Uncertain significance for Inborn genetic diseases. Last evaluated: 2024-01-03. Review status: criteria provided, single submitter. Criteria: Ambry Variant Classification Scheme 2023. Collection method: clinical testing. Allele origin: germline.